The following is an entry in ClinVar:

ClinVar aggregate classification (germline): Uncertain significance (1 of 4 stars; one submission).

Conditions:
Familial cancer of breast. Also called: BREAST CANCER, FAMILIAL; Hereditary breast cancer; hereditary breast carcinoma. Identifiers: Orphanet 227535, MedGen C0346153, MONDO:0016419, OMIM 114480. Disease mechanism: loss of function.

Submission:

Labcorp Genetics (formerly Invitae), Labcorp
Classification: Uncertain significance for Familial cancer of breast. Last evaluated: 2023-03-18. Review status: criteria provided, single submitter. Criteria: Invitae Variant Classification Sherloc (09022015). Collection method: clinical testing. Allele origin: unknown.
Comment: In summary, the available evidence is currently insufficient to determine the role of this variant in disease. Therefore, it has been classified as a Variant of Uncertain Significance. Experimental studies and prediction algorithms are not available or were not evaluated, and the functional significance of this variant is currently unknown. This variant has not been reported in the literature in individuals affected with PALB2-related conditions. This variant results in a copy number gain of the genomic region encompassing exon(s) 1-7 of the PALB2 gene. This region includes the initiator codon of the gene. This copy number gain extends beyond the assayed region for this gene and therefore may encompass additional genes. As the precise location of this event is unknown, it may be in tandem or it may be located elsewhere in the genome.

NC_000016.9:g.(?_23637547)_(23652478_?)dup

Gene: PALB2 (partner and localizer of BRCA2; minus strand). Cytogenetic location: 16p12.2.
Variant type: Duplication.
Identifiers: ClinVar variation 3243352 (VCV003243352.1).